The following is an entry in ClinVar:

ClinVar aggregate classification (germline): Uncertain significance. Review status: criteria provided, multiple submitters, no conflicts (2 of 4 stars). 2 submissions from 2 submitters: Uncertain significance (2). Last evaluated 2025-09-16.

Conditions:
Cardiomyopathy (CMYO). Also called: Cardiomyopathies. Identifiers: Orphanet 167848, MedGen C0878544, MONDO:0004994, HP:0001638. Inheritance: Various modes of inheritance.
Charcot-Marie-Tooth disease type 2. Also called: Charcot-Marie-Tooth type 2. Identifiers: Orphanet 64746, MedGen C0270914, MONDO:0018993.

Allele frequency attached by ClinVar (database versions not stated): gnomAD exomes below 0.00001.
gnomAD v4.1: 2 of 1,613,034 alleles (0.00012%); highest among the groups gnomAD compares: South Asian, 0.0011%; no homozygotes.

Submissions (2):

Labcorp Genetics (formerly Invitae), Labcorp
Classification: Uncertain significance for Charcot-Marie-Tooth disease type 2. Last evaluated: 2025-09-16. Review status: criteria provided, single submitter. Criteria: Invitae Variant Classification Sherloc (09022015). Collection method: clinical testing. Allele origin: germline.
Comment: This sequence change replaces glutamine, which is neutral and polar, with arginine, which is basic and polar, at codon 606 of the LMNA protein (p.Gln606Arg). This variant is not present in population databases (gnomAD no frequency). This variant has not been reported in the literature in individuals affected with LMNA-related conditions. ClinVar contains an entry for this variant (Variation ID: 921826). Invitae Evidence Modeling of protein sequence and biophysical properties (such as structural, functional, and spatial information, amino acid conservation, physicochemical variation, residue mobility, and thermodynamic stability) has been performed for this missense variant. However, the output from this modeling did not meet the statistical confidence thresholds required to predict the impact of this variant on LMNA protein function. In summary, the available evidence is currently insufficient to determine the role of this variant in disease. Therefore, it has been classified as a Variant of Uncertain Significance.

Color Diagnostics, LLC DBA Color Health
Classification: Uncertain significance for Cardiomyopathy. Last evaluated: 2024-03-06. Review status: criteria provided, single submitter. Criteria: ACMG Guidelines, 2015. Collection method: clinical testing. Allele origin: germline.
Comment: This missense variant replaces glutamine with arginine at codon 606 of the lamin A protein. Computational prediction tool suggests that this variant may not impact protein structure and function (internally defined REVEL score threshold <=0.5, PMID: 27666373). Splice site prediction tools suggest that this variant may not impact RNA splicing. This variant represents a single nucleotide substitution in the 3' untranslated region of the lamin C transcript (ENST00000361308:c.*842A>G). To our knowledge, functional studies have not been performed for this variant. This variant has not been reported in individuals affected with cardiovascular disorders in the literature. This variant has not been identified in the general population by the Genome Aggregation Database (gnomAD). The available evidence is insufficient to determine the role of this variant in disease conclusively. Therefore, this variant is classified as a Variant of Uncertain Significance.

NM_170707.4(LMNA):c.1817A>G (p.Gln606Arg)

Gene: LMNA (lamin A/C; plus strand). Cytogenetic location: 1q22.
Variant type: single nucleotide variant.
Coding change: c.1817A>G on transcript NM_170707.4 (MANE Select); coding-DNA position 1817, A replaced by G.
Protein change: p.Gln606Arg; replaces glutamine 606 with arginine.
Molecular consequence: missense variant.
Genome position (GRCh38, 1-based): chr1:156,138,606, A>G. VCF-style: chr1-156138606-A-G. GRCh37 (hg19) VCF-style: chr1-156108397-A-G.
Other names: c.1481A>G, p.Gln494Arg (NM_001257374.3); c.1817A>G, p.Gln606Arg (NM_001282626.2); c.1727A>G, p.Gln576Arg (NM_170708.4); short protein forms Q576R, Q494R, Q606R.
Identifiers: ClinVar variation 921826 (VCV000921826.7), dbSNP rs1651866656, ClinGen allele CA342827044.
Genomic context (GRCh38, chr1:156,138,606, plus strand): 5'-TGCTGTGCGGGACCTGCGGGCAGCCTGCCGACAAGGCATCTGCCAGCGGCTCAGGAGCCC[A>G]GGTGGGCGGACCCATCTCCTCTGGCTCTTCTGCCTCCAGTGTCACGGTCACTCGCAGCTA-3'
Protein context (NP_733821.1, residues 596-616): DKASASGSGA[Gln606Arg]VGGPISSGSS